The following is an entry in ClinVar:

ClinVar aggregate classification (germline): Uncertain significance (1 of 4 stars; one submission).

Conditions:
Combined immunodeficiency with skin granulomas. Identifiers: Orphanet 157949, MedGen C2673536, MONDO:0009306, OMIM 233650.
Severe combined immunodeficiency, autosomal recessive, T cell-negative, B cell-negative, NK cell-positive. Also called: SCID, AR, T-cell negative, B-cell negative, NK cell-positive; SCID, T CELL-NEGATIVE, B CELL-NEGATIVE, NK CELL-POSITIVE; Severe combined immunodeficiency due to complete RAG1/2 deficiency. Identifiers: Orphanet 331206, MedGen C1832322, MONDO:0011086, OMIM 601457.

Allele frequency attached by ClinVar (database versions not stated): gnomAD exomes below 0.00001 and 0.00001; ExAC 0.00001.
gnomAD v4.1: 7 of 1,614,126 alleles (0.00043%); highest among the groups gnomAD compares: South Asian, 0.0077%; no homozygotes.

Submission:

Labcorp Genetics (formerly Invitae), Labcorp
Classification: Uncertain significance for Combined immunodeficiency with skin granulomas; Severe combined immunodeficiency, autosomal recessive, T cell-negative, B cell-negative, NK cell-positive. Last evaluated: 2022-09-01. Review status: criteria provided, single submitter. Criteria: Invitae Variant Classification Sherloc (09022015). Collection method: clinical testing. Allele origin: germline.
Comment: Advanced modeling of protein sequence and biophysical properties (such as structural, functional, and spatial information, amino acid conservation, physicochemical variation, residue mobility, and thermodynamic stability) performed at Invitae indicates that this missense variant is not expected to disrupt RAG1 protein function. ClinVar contains an entry for this variant (Variation ID: 1466134). This variant has not been reported in the literature in individuals affected with RAG1-related conditions. This variant is present in population databases (rs748782315, gnomAD 0.01%). This sequence change replaces threonine, which is neutral and polar, with isoleucine, which is neutral and non-polar, at codon 1018 of the RAG1 protein (p.Thr1018Ile). In summary, the available evidence is currently insufficient to determine the role of this variant in disease. Therefore, it has been classified as a Variant of Uncertain Significance.

NM_000448.3(RAG1):c.3053C>T (p.Thr1018Ile)

Gene: RAG1 (recombination activating 1; plus strand). Cytogenetic location: 11p12.
Variant type: single nucleotide variant.
Coding change: c.3053C>T on transcript NM_000448.3 (MANE Select); coding-DNA position 3053, C replaced by T.
Protein change: p.Thr1018Ile; replaces threonine 1018 with isoleucine.
Molecular consequence: missense variant.
Genome position (GRCh38, 1-based): chr11:36,576,357, C>T. VCF-style: chr11-36576357-C-T. GRCh37 (hg19) VCF-style: chr11-36597907-C-T.
Other names: c.3053C>T, p.Thr1018Ile (NM_001377277.1, NM_001377278.1, NM_001377279.1 and 1 more transcripts); short protein forms T1018I.
Identifiers: ClinVar variation 1466134 (VCV001466134.6), dbSNP rs748782315, ClinGen allele CA5950360.